The following is an entry in ClinVar:

ClinVar aggregate classification (germline): Uncertain significance (1 of 4 stars; one submission).

Conditions:
Emery-Dreifuss muscular dystrophy 5, autosomal dominant (EDMD5). Also called: EMERY-DREIFUSS MUSCULAR DYSTROPHY 5. Identifiers: Orphanet 261, MedGen C2751805, MONDO:0013072, OMIM 612999.

Submission:

Labcorp Genetics (formerly Invitae), Labcorp
Classification: Uncertain significance for Emery-Dreifuss muscular dystrophy 5, autosomal dominant. Last evaluated: 2023-11-27. Review status: criteria provided, single submitter. Criteria: Invitae Variant Classification Sherloc (09022015). Collection method: clinical testing. Allele origin: germline.
Comment: This sequence change replaces glutamic acid, which is acidic and polar, with lysine, which is basic and polar, at codon 2042 of the SYNE2 protein (p.Glu2042Lys). This variant is not present in population databases (gnomAD no frequency). This variant has not been reported in the literature in individuals affected with SYNE2-related conditions. Algorithms developed to predict the effect of missense changes on protein structure and function output the following: SIFT: "Not Available"; PolyPhen-2: "Benign"; Align-GVGD: "Not Available". The lysine amino acid residue is found in multiple mammalian species, which suggests that this missense change does not adversely affect protein function. In summary, the available evidence is currently insufficient to determine the role of this variant in disease. Therefore, it has been classified as a Variant of Uncertain Significance.

NM_182914.3(SYNE2):c.6124G>A (p.Glu2042Lys)

Gene: SYNE2 (spectrin repeat containing nuclear envelope protein 2; plus strand). Cytogenetic location: 14q23.2.
Variant type: single nucleotide variant.
Coding change: c.6124G>A on transcript NM_182914.3 (MANE Select); coding-DNA position 6124, G replaced by A.
Protein change: p.Glu2042Lys; replaces glutamic acid 2042 with lysine.
Molecular consequence: missense variant.
Genome position (GRCh38, 1-based): chr14:64,025,293, G>A. VCF-style: chr14-64025293-G-A. GRCh37 (hg19) VCF-style: chr14-64492011-G-A.
Other names: c.6124G>A, p.Glu2042Lys (NM_015180.6); short protein forms E2042K.
Identifiers: ClinVar variation 2816741 (VCV002816741.3), dbSNP rs2551145821, ClinGen allele CA389946398.